The following is an entry in ClinVar:

NM_001386298.1(CIC):c.594C>T (p.Asp198=)

Gene: CIC (capicua transcriptional repressor; plus strand). Cytogenetic location: 19q13.2.
Variant type: single nucleotide variant.
Coding change: c.594C>T on transcript NM_001386298.1 (MANE Select); coding-DNA position 594, C replaced by T.
Protein change: p.Asp198=; no amino-acid change (aspartic acid 198 retained).
Molecular consequence: synonymous variant.
Genome position (GRCh38, 1-based): chr19:42,272,377, C>T. VCF-style: chr19-42272377-C-T. GRCh37 (hg19) VCF-style: chr19-42776529-C-T.
Other names: c.594C>T, p.Asp198= (NM_001304815.2, NM_001379480.1, NM_001379482.1).
Identifiers: ClinVar variation 1683575 (VCV001683575.2), dbSNP rs1599847765, ClinGen allele CA507701091.

ClinVar aggregate classification (germline): Uncertain significance (1 of 4 stars; one submission).

Conditions:
Intellectual developmental disorder, autosomal dominant 45. Also called: MENTAL RETARDATION, AUTOSOMAL DOMINANT 45; Intellectual disability, autosomal dominant 45. Identifiers: MedGen C4539848, MONDO:0030910, OMIM 617600.

Submission:

Laboratorio de Genetica e Diagnostico Molecular, Hospital Israelita Albert Einstein
Classification: Uncertain significance for Intellectual developmental disorder, autosomal dominant 45. Last evaluated: 2022-01-24. Review status: criteria provided, single submitter. Criteria: ACMG Guidelines, 2015. Collection method: clinical testing. Allele origin: germline. Affected: yes.
Comment: ACMG classification criteria: PM2 moderate